The following is an entry in ClinVar:

ClinVar aggregate classification (germline): Uncertain significance. Review status: criteria provided, multiple submitters, no conflicts (2 of 4 stars). 4 submissions from 4 submitters: Uncertain significance (4). Last evaluated 2026-01-12.

Conditions:
Hereditary cancer-predisposing syndrome. Also called: Tumor predisposition; Hereditary neoplastic syndrome; Hereditary Cancer Syndrome; Neoplastic Syndromes, Hereditary. Identifiers: Orphanet 140162, MedGen C0027672, MeSH D009386, MONDO:0015356.
Classic or attenuated familial adenomatous polyposis. Identifiers: MedGen CN372698, MONDO:0021057.
Familial adenomatous polyposis 1 (FAP1). Also called: POLYPOSIS, ADENOMATOUS INTESTINAL; FAMILIAL ADENOMATOUS POLYPOSIS 1, ATTENUATED. Identifiers: MedGen C2713442, MONDO:0021056, OMIM 175100. Disease mechanism: loss of function.

Allele frequency attached by ClinVar (database versions not stated): gnomAD exomes 0.00001; TOPMed below 0.00001.
gnomAD v4.1: 3 of 1,612,270 alleles (0.00019%); highest among the groups gnomAD compares: Non-Finnish European, 0.00025%; no homozygotes.

Submissions (4):

Ambry Genetics
Classification: Uncertain significance for Hereditary cancer-predisposing syndrome. Last evaluated: 2026-01-12. Review status: criteria provided, single submitter. Criteria: Ambry Variant Classification Scheme 2023. Collection method: clinical testing. Allele origin: germline.

Labcorp Genetics (formerly Invitae), Labcorp
Classification: Uncertain significance for Familial adenomatous polyposis 1. Last evaluated: 2025-11-24. Review status: criteria provided, single submitter. Criteria: Invitae Variant Classification Sherloc (09022015). Collection method: clinical testing. Allele origin: germline.
Comment: This sequence change replaces histidine, which is basic and polar, with tyrosine, which is neutral and polar, at codon 668 of the APC protein (p.His668Tyr). This variant is not present in population databases (gnomAD no frequency). This variant has not been reported in the literature in individuals affected with APC-related conditions. ClinVar contains an entry for this variant (Variation ID: 233283). Invitae Evidence Modeling of protein sequence and biophysical properties (such as structural, functional, and spatial information, amino acid conservation, physicochemical variation, residue mobility, and thermodynamic stability) indicates that this missense variant is not expected to disrupt APC protein function with a negative predictive value of 95%. In summary, the available evidence is currently insufficient to determine the role of this variant in disease. Therefore, it has been classified as a Variant of Uncertain Significance.

All of Us Research Program, National Institutes of Health
Classification: Uncertain significance for Classic or attenuated familial adenomatous polyposis. Last evaluated: 2024-01-08. Review status: criteria provided, single submitter. Criteria: ACMG Guidelines, 2015. Collection method: clinical testing. Allele origin: germline. Inheritance: Autosomal dominant inheritance. Observed: 2 variant alleles, 2 heterozygotes.
Comment: This missense variant replaces histidine with tyrosine at codon 668 of the APC protein. Computational prediction is inconclusive regarding the impact of this variant on protein structure and function (internally defined REVEL score threshold 0.5 < inconclusive < 0.7, PMID: 27666373). To our knowledge, functional studies have not been reported for this variant. This variant has not been reported in individuals affected with APC-related disorders in the literature. This variant has not been identified in the general population by the Genome Aggregation Database (gnomAD). The available evidence is insufficient to determine the role of this variant in disease conclusively. Therefore, this variant is classified as a Variant of Uncertain Significance.

This study involves interpretation of variants in research participants for the purpose of population health screening. Participant phenotype was not available at the time of variant classification. Additional details can be found in publication PMID: 35346344, PMCID: PMC8962531

Color Diagnostics, LLC DBA Color Health
Classification: Uncertain significance for Hereditary cancer-predisposing syndrome. Last evaluated: 2023-10-19. Review status: criteria provided, single submitter. Criteria: ACMG Guidelines, 2015. Collection method: clinical testing. Allele origin: germline.
Comment: This missense variant replaces histidine with tyrosine at codon 668 of the APC protein. Computational prediction is inconclusive regarding the impact of this variant on protein structure and function (internally defined REVEL score threshold 0.5 < inconclusive < 0.7, PMID: 27666373). To our knowledge, functional studies have not been reported for this variant. This variant has not been reported in individuals affected with APC-related disorders in the literature. This variant has not been identified in the general population by the Genome Aggregation Database (gnomAD). The available evidence is insufficient to determine the role of this variant in disease conclusively. Therefore, this variant is classified as a Variant of Uncertain Significance.

NM_000038.6(APC):c.2002C>T (p.His668Tyr)

Gene: APC (APC regulator of Wnt signaling pathway; plus strand). Cytogenetic location: 5q22.2.
Variant type: single nucleotide variant.
Coding change: c.2002C>T on transcript NM_000038.6 (MANE Select); coding-DNA position 2002, C replaced by T.
Protein change: p.His668Tyr; replaces histidine 668 with tyrosine.
Molecular consequence: missense variant.
Genome position (GRCh38, 1-based): chr5:112,837,596, C>T. VCF-style: chr5-112837596-C-T. GRCh37 (hg19) VCF-style: chr5-112173293-C-T.
Other names: c.2002C>T, p.His668Tyr (NM_001127510.3, NM_001354895.2); c.1948C>T, p.His650Tyr (NM_001127511.3); c.2056C>T, p.His686Tyr (NM_001354896.2); c.2032C>T, p.His678Tyr (NM_001354897.2); c.1927C>T, p.His643Tyr (NM_001354898.2); c.1918C>T, p.His640Tyr (NM_001354899.2); c.1879C>T, p.His627Tyr (NM_001354900.2); c.1825C>T, p.His609Tyr (NM_001354901.2); and 5 more; short protein forms H650Y, H668Y, H567Y, H643Y, H678Y, H609Y, H627Y, H686Y.
Identifiers: ClinVar variation 233283 (VCV000233283.21), dbSNP rs876660307, ClinGen allele CA10578334.